The following is an entry in ClinVar:

ClinVar aggregate classification (germline): Uncertain significance (1 of 4 stars; one submission).

Conditions:
Malignant hyperthermia, susceptibility to, 5 (MHS5). Also called: CACNA1S-Related Malignant Hyperthermia Susceptibility. Identifiers: Orphanet 423, MedGen C1866077, MONDO:0011163, OMIM 601887.

Allele frequency attached by ClinVar (database versions not stated): gnomAD exomes below 0.00001.
gnomAD v4.1: 1 of 1,614,226 alleles (0.000062%); highest among the groups gnomAD compares: African/African-American, 0.0013%; no homozygotes.

Submission:

All of Us Research Program, National Institutes of Health
Classification: Uncertain significance for Malignant hyperthermia, susceptibility to, 5. Last evaluated: 2023-06-28. Review status: criteria provided, single submitter. Criteria: ACMG Guidelines, 2015. Collection method: clinical testing. Allele origin: germline. Inheritance: Autosomal dominant inheritance. Observed: 1 variant allele, 1 heterozygote.
Comment: This study involves interpretation of variants in research participants for the purpose of population health screening. Participant phenotype was not available at the time of variant classification. Additional details can be found in publication PMID: 35346344, PMCID: PMC8962531

NM_000069.3(CACNA1S):c.1772A>G (p.Glu591Gly)

Gene: CACNA1S (calcium voltage-gated channel subunit alpha1 S; minus strand). Cytogenetic location: 1q32.1.
Variant type: single nucleotide variant.
Coding change: c.1772A>G on transcript NM_000069.3 (MANE Select); coding-DNA position 1772, A replaced by G.
Protein change: p.Glu591Gly; replaces glutamic acid 591 with glycine.
Molecular consequence: missense variant.
Genome position (GRCh38, 1-based): chr1:201,076,975, T>C on the plus strand (A>G on the coding strand, the complement: CACNA1S is on the minus strand). VCF-style: chr1-201076975-T-C. GRCh37 (hg19) VCF-style: chr1-201046103-T-C.
Other names: short protein forms E591G.
Identifiers: ClinVar variation 3071744 (VCV003071744.1), dbSNP rs2464566672, ClinGen allele CA344119737.